The following is an entry in ClinVar:

NM_000218.3(KCNQ1):c.605-5C>T

Gene: KCNQ1 (potassium voltage-gated channel subfamily Q member 1; plus strand). Cytogenetic location: 11p15.5.
Variant type: single nucleotide variant.
Coding change: c.605-5C>T on transcript NM_000218.3 (MANE Select); 5 bases into the intron before coding-DNA position 605, C replaced by T.
Molecular consequence: intron variant.
Genome position (GRCh38, 1-based): chr11:2,571,320, C>T. VCF-style: chr11-2571320-C-T. GRCh37 (hg19) VCF-style: chr11-2592550-C-T.
Other names: c.335-5C>T (NM_001406837.1); c.605-5C>T (NM_001406836.1); c.478-12115C>T (NM_001406838.1); c.224-5C>T (NM_181798.2).
Identifiers: ClinVar variation 1751295 (VCV001751295.2), dbSNP rs2493669606, ClinGen allele CA2580082614.

ClinVar aggregate classification (germline): Uncertain significance (1 of 4 stars; one submission).

Conditions:
Cardiovascular phenotype. Identifiers: MedGen CN230736.

Allele frequency attached by ClinVar (database versions not stated): gnomAD exomes below 0.00001.
gnomAD v4.1: 2 of 1,612,910 alleles (0.00012%); highest among the groups gnomAD compares: Non-Finnish European, 0.000085%; no homozygotes.

Submission:

Ambry Genetics
Classification: Uncertain significance for Cardiovascular phenotype. Last evaluated: 2021-06-24. Review status: criteria provided, single submitter. Criteria: Ambry Variant Classification Scheme 2023. Collection method: clinical testing. Allele origin: germline.
Comment: The c.605-5C>T intronic variant results from a C to T substitution 5 nucleotides upstream from coding exon 4 in the KCNQ1 gene. This nucleotide position is well conserved in available vertebrate species. In silico splice site analysis predicts that this alteration will not have any significant effect on splicing. Since supporting evidence is limited at this time, the clinical significance of this alteration remains unclear.